The following is an entry in ClinVar:

NM_001378414.1(HDAC4):c.2970G>A (p.Ser990=)

Gene: HDAC4 (histone deacetylase 4; minus strand). Cytogenetic location: 2q37.3.
Variant type: single nucleotide variant.
Coding change: c.2970G>A on transcript NM_001378414.1 (MANE Select); coding-DNA position 2970, G replaced by A.
Protein change: p.Ser990=; no amino-acid change (serine 990 retained).
Molecular consequence: synonymous variant.
Genome position (GRCh38, 1-based): chr2:239,066,755, C>T on the plus strand (G>A on the coding strand, the complement: HDAC4 is on the minus strand). VCF-style: chr2-239066755-C-T. GRCh37 (hg19) VCF-style: chr2-239988451-C-T.
Other names: c.2970G>A, p.Ser990= (NM_001378415.1); c.2955G>A, p.Ser985= (NM_001378416.1, NM_001378417.1, NM_006037.4).
Identifiers: ClinVar variation 2652066 (VCV002652066.24), dbSNP rs762892764, ClinGen allele CA2199102.

ClinVar aggregate classification (germline): Likely benign (1 of 4 stars; one submission).

Allele frequency attached by ClinVar (database versions not stated): ExAC 0.00002; gnomAD 0.00003; gnomAD exomes 0.00004; TOPMed 0.00006.
gnomAD v4.1: 66 of 1,613,868 alleles (0.0041%); highest among the groups gnomAD compares: Middle Eastern, 0.049%; no homozygotes.

Submission:

CeGaT Center for Human Genetics Tuebingen
Classification: Likely benign. Last evaluated: 2023-06-01. Review status: criteria provided, single submitter. Criteria: CeGaT Center For Human Genetics Tuebingen Variant Classification Criteria Version 2. Collection method: clinical testing. Allele origin: germline. Affected: yes. Observed: 1 variant allele.
Comment: HDAC4: BP4, BP7